The following is an entry in ClinVar:

NM_173500.4(TTBK2):c.3022G>C (p.Ala1008Pro)

Gene: TTBK2 (tau tubulin kinase 2; minus strand). Cytogenetic location: 15q15.2.
Variant type: single nucleotide variant.
Coding change: c.3022G>C on transcript NM_173500.4 (MANE Select); coding-DNA position 3022, G replaced by C.
Protein change: p.Ala1008Pro; replaces alanine 1008 with proline.
Molecular consequence: missense variant.
Genome position (GRCh38, 1-based): chr15:42,752,224, C>G on the plus strand (G>C on the coding strand, the complement: TTBK2 is on the minus strand). VCF-style: chr15-42752224-C-G. GRCh37 (hg19) VCF-style: chr15-43044422-C-G.
Other names: short protein forms A1008P.
Identifiers: ClinVar variation 1971039 (VCV001971039.5), dbSNP rs1482627672, ClinGen allele CA392071210.

ClinVar aggregate classification (germline): Uncertain significance (1 of 4 stars; one submission).

Allele frequency attached by ClinVar (database versions not stated): TOPMed 0.00001; gnomAD 0.00002.
gnomAD v4.1: 7 of 1,613,886 alleles (0.00043%); highest among the groups gnomAD compares: Admixed American, 0.0017%; no homozygotes.

Submission:

Labcorp Genetics (formerly Invitae), Labcorp
Classification: Uncertain significance. Last evaluated: 2022-07-19. Review status: criteria provided, single submitter. Criteria: Invitae Variant Classification Sherloc (09022015). Collection method: clinical testing. Allele origin: germline.
Comment: This sequence change replaces alanine, which is neutral and non-polar, with proline, which is neutral and non-polar, at codon 1008 of the TTBK2 protein (p.Ala1008Pro). In summary, the available evidence is currently insufficient to determine the role of this variant in disease. Therefore, it has been classified as a Variant of Uncertain Significance. Algorithms developed to predict the effect of missense changes on protein structure and function (SIFT, PolyPhen-2, Align-GVGD) all suggest that this variant is likely to be tolerated. This variant has not been reported in the literature in individuals affected with TTBK2-related conditions. This variant is present in population databases (no rsID available, gnomAD 0.002%).